The following is an entry in ClinVar:

ClinVar aggregate classification (germline): Conflicting classifications of pathogenicity. Review status: criteria provided, conflicting classifications (1 of 4 stars). 3 submissions from 3 submitters: Uncertain significance (2); Likely benign (1). Last evaluated 2025-02-11.

Conditions:
Cardiovascular phenotype. Identifiers: MedGen CN230736.
Myofibrillar myopathy 6. Identifiers: Orphanet 199340, MedGen C2751831, MONDO:0013061, OMIM 612954.
Dilated cardiomyopathy 1HH (CMD1HH). Identifiers: Orphanet 154, MedGen C3151293, MONDO:0013479, OMIM 613881.

Allele frequency attached by ClinVar (database versions not stated): gnomAD exomes below 0.00001.

Submissions (3):

GeneDx
Classification: Uncertain significance. Last evaluated: 2025-02-11. Review status: criteria provided, single submitter. Criteria: GeneDx Variant Classification Process June 2021. Collection method: clinical testing. Allele origin: germline. Affected: yes.
Comment: Not observed at significant frequency in large population cohorts (gnomAD); In silico analysis indicates that this missense variant does not alter protein structure/function; Has not been previously published as pathogenic or benign to our knowledge; This variant is associated with the following publications: (PMID: 20001957)

Labcorp Genetics (formerly Invitae), Labcorp
Classification: Uncertain significance for Dilated cardiomyopathy 1HH; Myofibrillar myopathy 6. Last evaluated: 2024-07-24. Review status: criteria provided, single submitter. Criteria: Invitae Variant Classification Sherloc (09022015). Collection method: clinical testing. Allele origin: germline.
Comment: This sequence change replaces threonine, which is neutral and polar, with alanine, which is neutral and non-polar, at codon 392 of the BAG3 protein (p.Thr392Ala). This variant is not present in population databases (gnomAD no frequency). This variant has not been reported in the literature in individuals affected with BAG3-related conditions. ClinVar contains an entry for this variant (Variation ID: 1440579). Advanced modeling of protein sequence and biophysical properties (such as structural, functional, and spatial information, amino acid conservation, physicochemical variation, residue mobility, and thermodynamic stability) performed at Invitae indicates that this missense variant is not expected to disrupt BAG3 protein function with a negative predictive value of 80%. In summary, the available evidence is currently insufficient to determine the role of this variant in disease. Therefore, it has been classified as a Variant of Uncertain Significance.

Ambry Genetics
Classification: Likely benign for Cardiovascular phenotype. Last evaluated: 2024-06-24. Review status: criteria provided, single submitter. Criteria: Ambry Variant Classification Scheme 2023. Collection method: clinical testing. Allele origin: germline.

NM_004281.4(BAG3):c.1174A>G (p.Thr392Ala)

Gene: BAG3 (BAG cochaperone 3; plus strand). Cytogenetic location: 10q26.11.
Variant type: single nucleotide variant.
Coding change: c.1174A>G on transcript NM_004281.4 (MANE Select); coding-DNA position 1174, A replaced by G.
Protein change: p.Thr392Ala; replaces threonine 392 with alanine.
Molecular consequence: missense variant.
Genome position (GRCh38, 1-based): chr10:119,676,728, A>G. VCF-style: chr10-119676728-A-G. GRCh37 (hg19) VCF-style: chr10-121436240-A-G.
Other names: c.1174A>G (NM_004281.3); short protein forms T392A.
Identifiers: ClinVar variation 1440579 (VCV001440579.9), dbSNP rs2134068984, ClinGen allele CA378296769.